The following is an entry in ClinVar:

ClinVar aggregate classification (germline): Pathogenic (1 of 4 stars; one submission).

Conditions:
Hereditary cancer-predisposing syndrome. Also called: Neoplastic Syndromes, Hereditary; Tumor predisposition; Hereditary Cancer Syndrome; Hereditary neoplastic syndrome. Identifiers: Orphanet 140162, MedGen C0027672, MeSH D009386, MONDO:0015356.

Submission:

Ambry Genetics
Classification: Pathogenic for Hereditary cancer-predisposing syndrome. Last evaluated: 2025-06-16. Review status: criteria provided, single submitter. Criteria: Ambry Variant Classification Scheme 2023. Collection method: clinical testing. Allele origin: germline.
Comment: The p.C1502* pathogenic mutation (also known as c.4506C>A), located in coding exon 29 of the ATM gene, results from a C to A substitution at nucleotide position 4506. This changes the amino acid from a cysteine to a stop codon within coding exon 29. This variant is considered to be rare based on population cohorts in the Genome Aggregation Database (gnomAD). This alteration is expected to result in loss of function by premature protein truncation or nonsense-mediated mRNA decay. As such, this alteration is interpreted as a disease-causing mutation.

NM_000051.4(ATM):c.4506C>A (p.Cys1502Ter)

Gene: ATM (ATM serine/threonine kinase; plus strand). Cytogenetic location: 11q22.3.
Variant type: single nucleotide variant.
Coding change: c.4506C>A on transcript NM_000051.4 (MANE Select); coding-DNA position 4506, C replaced by A.
Protein change: p.Cys1502Ter; replaces cysteine 1502 with a stop codon.
Molecular consequence: nonsense.
Genome position (GRCh38, 1-based): chr11:108,292,688, C>A. VCF-style: chr11-108292688-C-A. GRCh37 (hg19) VCF-style: chr11-108163415-C-A.
Other names: c.4506C>A, p.Cys1502Ter (NM_001351834.2); short protein forms C1502*.
Identifiers: ClinVar variation 4168578 (VCV004168578.1).